The following is an entry in ClinVar:

ClinVar aggregate classification (germline): Uncertain significance. Review status: criteria provided, multiple submitters, no conflicts (2 of 4 stars). 2 submissions from 2 submitters: Uncertain significance (2). Last evaluated 2024-06-10.

Conditions:
Ehlers-Danlos syndrome, classic type, 1 (EDSCL1). Also called: EHLERS-DANLOS SYNDROME, GRAVIS TYPE; EHLERS-DANLOS SYNDROME, SEVERE CLASSIC TYPE; Ehlers-Danlos syndrome, type 1; Ehlers-Danlos Syndrome, Classic Type, COL5A1-Related; EDS I. Identifiers: MedGen C0268335, MONDO:0019567, OMIM 130000.

Submissions (2):

Labcorp Genetics (formerly Invitae), Labcorp
Classification: Uncertain significance for Ehlers-Danlos syndrome, classic type, 1. Last evaluated: 2024-06-10. Review status: criteria provided, single submitter. Criteria: Invitae Variant Classification Sherloc (09022015). Collection method: clinical testing. Allele origin: germline.
Comment: This sequence change replaces valine, which is neutral and non-polar, with phenylalanine, which is neutral and non-polar, at codon 3 of the COL5A1 protein (p.Val3Phe). This variant is not present in population databases (gnomAD no frequency). This variant has not been reported in the literature in individuals affected with COL5A1-related conditions. ClinVar contains an entry for this variant (Variation ID: 1478538). Advanced modeling of protein sequence and biophysical properties (such as structural, functional, and spatial information, amino acid conservation, physicochemical variation, residue mobility, and thermodynamic stability) performed at Invitae indicates that this missense variant is not expected to disrupt COL5A1 protein function with a negative predictive value of 95%. In summary, the available evidence is currently insufficient to determine the role of this variant in disease. Therefore, it has been classified as a Variant of Uncertain Significance.

Revvity Omics, Revvity
Classification: Uncertain significance. Last evaluated: 2022-03-28. Review status: criteria provided, single submitter. Criteria: ACMG Guidelines, 2015. Collection method: clinical testing. Allele origin: germline.

NM_000093.5(COL5A1):c.7G>T (p.Val3Phe)

Gene: COL5A1 (collagen type V alpha 1 chain; plus strand). Cytogenetic location: 9q34.3.
Variant type: single nucleotide variant.
Coding change: c.7G>T on transcript NM_000093.5 (MANE Select); coding-DNA position 7, G replaced by T.
Protein change: p.Val3Phe; replaces valine 3 with phenylalanine.
Molecular consequence: missense variant.
Genome position (GRCh38, 1-based): chr9:134,642,194, G>T. VCF-style: chr9-134642194-G-T. GRCh37 (hg19) VCF-style: chr9-137534040-G-T.
Other names: c.7G>T, p.Val3Phe (NM_001278074.1); short protein forms V3F.
Identifiers: ClinVar variation 1478538 (VCV001478538.10), dbSNP rs1383699147, ClinGen allele CA375443769.